The following is an entry in ClinVar:

NM_006648.4(WNK2):c.4934C>T (p.Thr1645Ile)

Gene: WNK2 (WNK lysine deficient protein kinase 2; plus strand). Cytogenetic location: 9q22.31.
Variant type: single nucleotide variant.
Coding change: c.4934C>T on transcript NM_006648.4 (MANE Select); coding-DNA position 4934, C replaced by T.
Protein change: p.Thr1645Ile; replaces threonine 1645 with isoleucine.
Molecular consequence: missense variant.
Genome position (GRCh38, 1-based): chr9:93,290,045, C>T. VCF-style: chr9-93290045-C-T. GRCh37 (hg19) VCF-style: chr9-96052327-C-T.
Other names: c.5045C>T, p.Thr1682Ile (NM_001282394.3); short protein forms T1645I, T1682I.
Identifiers: ClinVar variation 3817069 (VCV003817069.1).

ClinVar aggregate classification (germline): Uncertain significance (1 of 4 stars; one submission).

Submission:

Ambry Genetics
Classification: Uncertain significance. Last evaluated: 2025-02-13. Review status: criteria provided, single submitter. Criteria: Ambry Variant Classification Scheme 2023. Collection method: clinical testing. Allele origin: germline.
Comment: The p.T1645I variant (also known as c.4934C>T), located in coding exon 20 of the WNK2 gene, results from a C to T substitution at nucleotide position 4934. The threonine at codon 1645 is replaced by isoleucine, an amino acid with similar properties. This amino acid position is conserved. In addition, this alteration is predicted to be tolerated by in silico analysis. Based on the available evidence, the clinical significance of this variant remains unclear.